The following is an entry in ClinVar:

NM_007294.4(BRCA1):c.4334C>T (p.Pro1445Leu)

Gene: BRCA1 (BRCA1 DNA repair associated; minus strand). Cytogenetic location: 17q21.31.
Variant type: single nucleotide variant.
Coding change: c.4334C>T on transcript NM_007294.4 (MANE Select); coding-DNA position 4334, C replaced by T.
Protein change: p.Pro1445Leu; replaces proline 1445 with leucine.
Molecular consequence: missense variant.
Genome position (GRCh38, 1-based): chr17:43,082,427, G>A on the plus strand (C>T on the coding strand, the complement: BRCA1 is on the minus strand). VCF-style: chr17-43082427-G-A. GRCh37 (hg19) VCF-style: chr17-41234444-G-A.
Other names: c.4193C>T, p.Pro1398Leu (NM_001407725.1, NM_001407726.1, NM_001407727.1 and 23 more transcripts); c.815C>T, p.Pro272Leu (NM_001408479.1, NM_001408480.1, NM_001408481.1 and 6 more transcripts); c.812C>T, p.Pro271Leu (NM_001408489.1, NM_001408490.1, NM_001408491.1 and 3 more transcripts); c.785C>T, p.Pro262Leu (NM_001408494.1); c.782C>T, p.Pro261Leu (NM_001408495.1); c.761C>T, p.Pro254Leu (NM_001408496.1, NM_001408497.1, NM_001408498.1 and 3 more transcripts); c.4190C>T, p.Pro1397Leu (NM_001407741.1, NM_001407740.1, NM_001407742.1 and 23 more transcripts); c.4121C>T, p.Pro1374Leu (NM_001407571.1, NM_001407853.1, NM_001407894.1 and 12 more transcripts); and 51 more; short protein forms P1149L, P1276L, P1317L, P1318L, P1332L, P1333L, P1334L, P1355L.
Identifiers: ClinVar variation 4800830 (VCV004800830.1).
Genomic context (GRCh38, chr17:43,082,427, plus strand): 5'-TTGCTTAAGATATCAGTGTTTGGCCAACAATACACACCTTTTTCTGATGTGCTTTGTTCT[G>A]GATTTCGCAGGTCCTCAAGGGCAGAAGAGTCACTTATGATGGAAGGGTAGCTGTTAGAAG-3'
Protein context (NP_009225.1, residues 1435-1455): DSSALEDLRN[Pro1445Leu]EQSTSEKAVL

ClinVar aggregate classification (germline): Uncertain significance (1 of 4 stars; one submission).

Conditions:
Hereditary breast ovarian cancer syndrome. Also called: Hereditary breast and ovarian cancer syndrome (HBOC); Hereditary breast and ovarian cancer; Breast and ovarian cancer; Hereditary breast and/or ovarian cancer syndrome; BRCA1- and BRCA2-Associated Hereditary Breast and Ovarian Cancer; Hereditary breast and ovarian cancer syndrome. Identifiers: Orphanet 145, MedGen C0677776, MeSH D061325, MONDO:0003582. Disease mechanism: loss of function.

Submission:

Labcorp Genetics (formerly Invitae), Labcorp
Classification: Uncertain significance for Hereditary breast ovarian cancer syndrome. Last evaluated: 2025-05-18. Review status: criteria provided, single submitter. Criteria: Invitae Variant Classification Sherloc (09022015). Collection method: clinical testing. Allele origin: germline.
Comment: This sequence change replaces proline, which is neutral and non-polar, with leucine, which is neutral and non-polar, at codon 1445 of the BRCA1 protein (p.Pro1445Leu). This variant is not present in population databases (gnomAD no frequency). This variant has not been reported in the literature in individuals affected with BRCA1-related conditions. Invitae Evidence Modeling of protein sequence and biophysical properties (such as structural, functional, and spatial information, amino acid conservation, physicochemical variation, residue mobility, and thermodynamic stability) indicates that this missense variant is not expected to disrupt BRCA1 protein function with a negative predictive value of 80%. In summary, the available evidence is currently insufficient to determine the role of this variant in disease. Therefore, it has been classified as a Variant of Uncertain Significance.